The following is an entry in ClinVar:

ClinVar aggregate classification (germline): Uncertain significance (1 of 4 stars; one submission).

Conditions:
Multiple endocrine neoplasia, type 2 (MEN2). Identifiers: Orphanet 653, MedGen C4048306, MONDO:0019003. Disease mechanism: gain of function.

Allele frequency attached by ClinVar (database versions not stated): gnomAD 0.00001; gnomAD exomes 0.00001.

Submission:

Labcorp Genetics (formerly Invitae), Labcorp
Classification: Uncertain significance for Multiple endocrine neoplasia, type 2. Last evaluated: 2025-12-31. Review status: criteria provided, single submitter. Criteria: Invitae Variant Classification Sherloc (09022015). Collection method: clinical testing. Allele origin: germline.
Comment: This sequence change falls in intron 12 of the RET gene. It does not directly change the encoded amino acid sequence of the RET protein. It affects a nucleotide within the consensus splice site. This variant is present in population databases (no rsID available, gnomAD 0.01%). This variant has not been reported in the literature in individuals affected with RET-related conditions. ClinVar contains an entry for this variant (Variation ID: 1061481). Variants that disrupt the consensus splice site are a relatively common cause of aberrant splicing (PMID: 17576681, 9536098). Algorithms developed to predict the effect of sequence changes on RNA splicing suggest that this variant is not likely to affect RNA splicing. In summary, the available evidence is currently insufficient to determine the role of this variant in disease. Therefore, it has been classified as a Variant of Uncertain Significance.

Literature cited by the submitters: PubMed 17576681; PubMed 9536098.

NM_020975.6(RET):c.2284+6_2284+7del

Gene: RET (ret proto-oncogene; plus strand). Cytogenetic location: 10q11.21.
Variant type: Deletion.
Coding change: c.2284+6_2284+7del on transcript NM_020975.6 (MANE Select); bases 6 to 7 of the intron after coding-DNA position 2284, 2 bases deleted (TG; older notation c.2284+6_2284+7delTG).
Molecular consequence: intron variant.
Genome position (GRCh38, 1-based): chr10:43,116,737-43,116,738, TG deleted. VCF-style (leftmost placement, unchanged base first): chr10-43116736-CTG-C. GRCh37 (hg19) VCF-style: chr10-43612184-CTG-C.
Other names: c.2284+6_2284+7del (NM_020630.7, NM_001406743.1, NM_001406744.1 and 2 more transcripts); c.2149+6_2149+7del (NM_001406765.1, NM_001406763.1); c.1888+6_1888+7del (NM_001406772.1, NM_001406769.1); c.1846+6_1846+7del (NM_001406773.1, NM_001406771.1); c.1387+6_1387+7del (NM_001406782.1, NM_001406780.1, NM_001406779.1 and 1 more transcripts); c.1252+6_1252+7del (NM_001406787.1); c.1267+6_1267+7del (NM_001406785.1); c.2155+6_2155+7del (NM_001406764.1, NM_001406762.1, NM_001406761.1); and 10 more.
Identifiers: ClinVar variation 1061481 (VCV001061481.8), dbSNP rs1163200373, ClinGen allele CA593290062.
Genomic context (GRCh38, chr10:43,116,736, plus strand): 5'-CTTCCATCTGAAAGGCAGAGCAGGGTACACCACGGTGGCCGTGAAGATGCTGAAAGGTAC[CTG>C]CCAGGCACAGGCACAGTGCCCCTGGGGGAGTCTCCGGGGCGGGGGGCGGGTGAGGCCCCT-3'